The following is an entry in ClinVar:

ClinVar aggregate classification (germline): Pathogenic/Likely pathogenic. Review status: criteria provided, multiple submitters, no conflicts (2 of 4 stars). 2 submissions from 2 submitters: Pathogenic (1); Likely pathogenic (1). Last evaluated 2023-08-22.

Conditions:
Inborn genetic diseases. Identifiers: MedGen C0950123, MeSH D030342.

gnomAD v4.1: 6 of 1,614,152 alleles (0.00037%); highest among the groups gnomAD compares: Non-Finnish European, 0.00034%; no homozygotes.

Submissions (2):

GeneDx
Classification: Pathogenic. Last evaluated: 2023-08-22. Review status: criteria provided, single submitter. Criteria: GeneDx Variant Classification Process June 2021. Collection method: clinical testing. Allele origin: germline. Affected: yes.
Comment: Not observed at significant frequency in large population cohorts (gnomAD); In silico analysis supports that this missense variant has a deleterious effect on protein structure/function; This variant is associated with the following publications: (PMID: 30655366, 31091831, 37381752, 29900417)

Ambry Genetics
Classification: Likely pathogenic for Inborn genetic diseases. Last evaluated: 2018-06-18. Review status: criteria provided, single submitter. Criteria: Ambry exome assertion method (8-5-2015). Collection method: clinical testing. Allele origin: germline. Affected: yes. Observed: 1 variant allele.

Literature cited by the submitters: PubMed 24614070 (cited by Ambry Genetics).

NM_022552.5(DNMT3A):c.1643T>C (p.Met548Thr)

Gene: DNMT3A (DNA methyltransferase 3 alpha; minus strand). Cytogenetic location: 2p23.3.
Variant type: single nucleotide variant.
Coding change: c.1643T>C on transcript NM_022552.5 (MANE Select); coding-DNA position 1643, T replaced by C.
Protein change: p.Met548Thr; replaces methionine 548 with threonine.
Molecular consequence: missense variant. On other transcripts: non-coding transcript variant (1).
Genome position (GRCh38, 1-based): chr2:25,244,564, A>G on the plus strand (T>C on the coding strand, the complement: DNMT3A is on the minus strand). VCF-style: chr2-25244564-A-G. GRCh37 (hg19) VCF-style: chr2-25467433-A-G.
Other names: c.1187T>C, p.Met396Thr (NM_001320893.1); c.974T>C, p.Met325Thr (NM_001375819.1); c.1076T>C, p.Met359Thr (NM_153759.3); c.1643T>C, p.Met548Thr (NM_175629.2); short protein forms M325T, M359T, M396T, M548T.
Identifiers: ClinVar variation 985328 (VCV000985328.4), dbSNP rs587777509, ClinGen allele CA346072115.